The following is an entry in ClinVar:

NM_003247.5(THBS2):c.3074C>T (p.Ala1025Val)

Genes: THBS2 (thrombospondin 2; minus strand), THBS2-AS1 (THBS2 antisense RNA 1; plus strand). Cytogenetic location: 6q27.
Variant type: single nucleotide variant.
Coding change: c.3074C>T on transcript NM_003247.5 (MANE Select); coding-DNA position 3074, C replaced by T.
Protein change: p.Ala1025Val; replaces alanine 1025 with valine.
Molecular consequence: missense variant. On other transcripts: non-coding transcript variant (2).
Genome position (GRCh38, 1-based): chr6:169,222,396, G>A on the plus strand (C>T on the coding strand, the complement: THBS2 is on the minus strand). VCF-style: chr6-169222396-G-A. GRCh37 (hg19) VCF-style: chr6-169622491-G-A.
Other names: c.2900C>T, p.Ala967Val (NM_001381939.1); c.2843C>T, p.Ala948Val (NM_001381942.1); short protein forms A1025V, A948V, A967V.
Identifiers: ClinVar variation 3044894 (VCV003044894.2), dbSNP rs138932100, ClinGen allele CA4102775.
Genomic context (GRCh38, chr6:169,222,396, plus strand): 5'-ACCTGCTTCCACATCACCACATAGAAGCGGCTGCTTGACTGGTAACCAAAGACGAAGCCG[G>A]CATAGTCGTCGTCCCGGTCAGTGTTTACGTAGAATGTGCCACTGAAGTCCACAGACCCAA-3'
Protein context (NP_003238.2, residues 1015-1035): YVNTDRDDDY[Ala1025Val]GFVFGYQSSS

ClinVar aggregate classification (germline): Benign (0 of 4 stars; one submission).

Conditions:
THBS2-related disorder. Also called: THBS2-related condition.

Allele frequency attached by ClinVar (database versions not stated): gnomAD exomes 0.00014; ESP Exome Variant Server 0.00031; gnomAD 0.00033; TOPMed 0.00039; ExAC 0.00074; 1000 Genomes Project 0.00120; 1000 Genomes Project 30x 0.00125.
gnomAD v4.1: 351 of 1,613,742 alleles (0.022%); highest among the groups gnomAD compares: East Asian, 0.49%; 5 homozygotes.

Submission:

PreventionGenetics, part of Exact Sciences
Classification: Benign for THBS2-related condition. Last evaluated: 2019-05-24. Review status: no assertion criteria provided. Collection method: clinical testing. Allele origin: germline.
Comment: This variant is classified as benign based on ACMG/AMP sequence variant interpretation guidelines (Richards et al. 2015 PMID: 25741868, with internal and published modifications).